The following is an entry in ClinVar:

ClinVar aggregate classification (germline): Likely benign (1 of 4 stars; one submission).

gnomAD v4.1: 3 of 1,613,212 alleles (0.00019%); highest among the groups gnomAD compares: Admixed American, 0.005%; no homozygotes.

Submission:

CeGaT Center for Human Genetics Tuebingen
Classification: Likely benign. Last evaluated: 2026-01-01. Review status: criteria provided, single submitter. Criteria: CeGaT Center For Human Genetics Tuebingen Variant Classification Criteria Version 2. Collection method: clinical testing. Allele origin: germline. Affected: yes. Observed: 1 variant allele.
Comment: EZH1: BP4, BP7

NM_001991.5(EZH1):c.1197T>C (p.Ser399=)

Gene: EZH1 (enhancer of zeste 1 polycomb repressive complex 2 subunit; minus strand). Cytogenetic location: 17q21.2.
Variant type: single nucleotide variant.
Coding change: c.1197T>C on transcript NM_001991.5 (MANE Select); coding-DNA position 1197, T replaced by C.
Protein change: p.Ser399=; no amino-acid change (serine 399 retained).
Molecular consequence: synonymous variant.
Genome position (GRCh38, 1-based): chr17:42,713,216, A>G on the plus strand (T>C on the coding strand, the complement: EZH1 is on the minus strand). VCF-style: chr17-42713216-A-G. GRCh37 (hg19) VCF-style: chr17-40865234-A-G.
Other names: c.1215T>C, p.Ser405= (NM_001321079.2); c.1170T>C, p.Ser390= (NM_001321081.2); c.1077T>C, p.Ser359= (NM_001321082.2).
Identifiers: ClinVar variation 4823054 (VCV004823054.4).